The following is an entry in ClinVar:

ClinVar aggregate classification (germline): Uncertain significance. Review status: criteria provided, multiple submitters, no conflicts (2 of 4 stars). 2 submissions from 2 submitters: Uncertain significance (2). Last evaluated 2025-02-21.

Conditions:
Hereditary cancer-predisposing syndrome. Also called: Tumor predisposition; Hereditary neoplastic syndrome; Hereditary Cancer Syndrome; Neoplastic Syndromes, Hereditary. Identifiers: Orphanet 140162, MedGen C0027672, MeSH D009386, MONDO:0015356.
Familial meningioma. Also called: Meningioma, familial, susceptibility to. Identifiers: Orphanet 263662, MedGen C3551915, MONDO:0011789, OMIM 607174.

Allele frequency attached by ClinVar (database versions not stated): gnomAD 0.00001; TOPMed 0.00001.
gnomAD v4.1: 2 of 1,613,680 alleles (0.00012%); highest among the groups gnomAD compares: African/African-American, 0.0027%; no homozygotes.

Submissions (2):

Ambry Genetics
Classification: Uncertain significance for Hereditary cancer-predisposing syndrome. Last evaluated: 2025-02-21. Review status: criteria provided, single submitter. Criteria: Ambry Variant Classification Scheme 2023. Collection method: clinical testing. Allele origin: germline.
Comment: The p.T382I variant (also known as c.1145C>T), located in coding exon 10 of the SMARCE1 gene, results from a C to T substitution at nucleotide position 1145. The threonine at codon 382 is replaced by isoleucine, an amino acid with similar properties. This amino acid position is highly conserved in available vertebrate species. In addition, this alteration is predicted to be tolerated by in silico analysis. Based on the available evidence, the clinical significance of this variant remains unclear.

Labcorp Genetics (formerly Invitae), Labcorp
Classification: Uncertain significance for Familial meningioma. Last evaluated: 2025-02-17. Review status: criteria provided, single submitter. Criteria: Invitae Variant Classification Sherloc (09022015). Collection method: clinical testing. Allele origin: germline.
Comment: This sequence change replaces threonine, which is neutral and polar, with isoleucine, which is neutral and non-polar, at codon 382 of the SMARCE1 protein (p.Thr382Ile). This variant is not present in population databases (gnomAD no frequency). This variant has not been reported in the literature in individuals affected with SMARCE1-related conditions. ClinVar contains an entry for this variant (Variation ID: 1053109). Invitae Evidence Modeling of protein sequence and biophysical properties (such as structural, functional, and spatial information, amino acid conservation, physicochemical variation, residue mobility, and thermodynamic stability) has been performed for this missense variant. However, the output from this modeling did not meet the statistical confidence thresholds required to predict the impact of this variant on SMARCE1 protein function. In summary, the available evidence is currently insufficient to determine the role of this variant in disease. Therefore, it has been classified as a Variant of Uncertain Significance.

NM_003079.5(SMARCE1):c.1145C>T (p.Thr382Ile)

Gene: SMARCE1 (SWI/SNF related BAF chromatin remodeling complex subunit E1; minus strand). Cytogenetic location: 17q21.2.
Variant type: single nucleotide variant.
Coding change: c.1145C>T on transcript NM_003079.5 (MANE Select); coding-DNA position 1145, C replaced by T.
Protein change: p.Thr382Ile; replaces threonine 382 with isoleucine.
Molecular consequence: missense variant.
Genome position (GRCh38, 1-based): chr17:40,628,876, G>A on the plus strand (C>T on the coding strand, the complement: SMARCE1 is on the minus strand). VCF-style: chr17-40628876-G-A. GRCh37 (hg19) VCF-style: chr17-38785128-G-A.
Other names: short protein forms T382I.
Identifiers: ClinVar variation 1053109 (VCV001053109.10), dbSNP rs1314554797, ClinGen allele CA399361159.